The following is an entry in ClinVar:

NM_001165963.4(SCN1A):c.1663-2A>C

Gene: SCN1A (sodium voltage-gated channel alpha subunit 1; minus strand). Cytogenetic location: 2q24.3.
Variant type: single nucleotide variant.
Coding change: c.1663-2A>C on transcript NM_001165963.4 (MANE Select); the canonical splice acceptor site of the intron before coding-DNA position 1663, A replaced by C.
Molecular consequence: splice acceptor variant.
Genome position (GRCh38, 1-based): chr2:166,044,051, T>G on the plus strand (A>C on the coding strand, the complement: SCN1A is on the minus strand). VCF-style: chr2-166044051-T-G. GRCh37 (hg19) VCF-style: chr2-166900561-T-G.
Other names: c.1663-2A>C (NM_001353949.2, NM_001353958.2, NM_001353950.2 and 7 more transcripts); c.1660-2A>C (NM_001353955.2, NM_001353960.2, NM_001353954.2); c.-763-2A>C (NM_001353961.2).
Identifiers: ClinVar variation 426241 (VCV000426241.2), dbSNP rs1085307520, ClinGen allele CA349068151.

ClinVar aggregate classification (germline): Pathogenic (1 of 4 stars; one submission).

Submission:

GeneDx
Classification: Pathogenic. Last evaluated: 2017-04-25. Review status: criteria provided, single submitter. Criteria: GeneDx Variant Classification (06012015). Collection method: clinical testing. Allele origin: germline. Affected: yes.
Comment: The c.1663-2 A>C pathogenic variant in the SCN1A gene is not observed in large population cohorts (Lek et al., 2016; 1000 Genomes Consortium et al., 2015; Exome Variant Server). The c.1663-2 A>C splice site variant destroys the canonical splice acceptor site in intron 10. It is predicted to cause abnormal gene splicing, either leading to an abnormal message that is subject to nonsense-mediated mRNA decay, or to an abnormal protein product if the message is used for protein translation.